The following is an entry in ClinVar:

ClinVar aggregate classification (germline): Uncertain significance (1 of 4 stars; one submission).

Allele frequency attached by ClinVar (database versions not stated): ESP Exome Variant Server 0.00008.
gnomAD v4.1: 1 of 1,608,248 alleles (0.000062%); highest among the groups gnomAD compares: African/African-American, 0.0013%; no homozygotes.

Submission:

Labcorp Genetics (formerly Invitae), Labcorp
Classification: Uncertain significance. Last evaluated: 2022-08-06. Review status: criteria provided, single submitter. Criteria: Invitae Variant Classification Sherloc (09022015). Collection method: clinical testing. Allele origin: germline.
Comment: This variant is not present in population databases (gnomAD no frequency). This sequence change replaces glutamine, which is neutral and polar, with lysine, which is basic and polar, at codon 324 of the IFT57 protein (p.Gln324Lys). This variant has not been reported in the literature in individuals affected with IFT57-related conditions. In summary, the available evidence is currently insufficient to determine the role of this variant in disease. Therefore, it has been classified as a Variant of Uncertain Significance. Algorithms developed to predict the effect of missense changes on protein structure and function (SIFT, PolyPhen-2, Align-GVGD) all suggest that this variant is likely to be tolerated.

NM_018010.4(IFT57):c.970C>A (p.Gln324Lys)

Gene: IFT57 (intraflagellar transport 57; minus strand). Cytogenetic location: 3q13.12.
Variant type: single nucleotide variant.
Coding change: c.970C>A on transcript NM_018010.4 (MANE Select); coding-DNA position 970, C replaced by A.
Protein change: p.Gln324Lys; replaces glutamine 324 with lysine.
Molecular consequence: missense variant.
Genome position (GRCh38, 1-based): chr3:108,166,865, G>T on the plus strand (C>A on the coding strand, the complement: IFT57 is on the minus strand). VCF-style: chr3-108166865-G-T. GRCh37 (hg19) VCF-style: chr3-107885712-G-T.
Other names: short protein forms Q324K.
Identifiers: ClinVar variation 1998794 (VCV001998794.4), dbSNP rs368571125, ClinGen allele CA80640438.